The following is an entry in ClinVar:

NM_206933.4(USH2A):c.849-3C>T

Gene: USH2A (usherin; minus strand). Cytogenetic location: 1q41.
Variant type: single nucleotide variant.
Coding change: c.849-3C>T on transcript NM_206933.4 (MANE Select); 3 bases into the intron before coding-DNA position 849, C replaced by T.
Molecular consequence: intron variant.
Genome position (GRCh38, 1-based): chr1:216,325,602, G>A on the plus strand (C>T on the coding strand, the complement: USH2A is on the minus strand). VCF-style: chr1-216325602-G-A. GRCh37 (hg19) VCF-style: chr1-216498944-G-A.
Other names: c.849-3C>T (NM_007123.6).
Identifiers: ClinVar variation 1396248 (VCV001396248.3), dbSNP rs774392934, ClinGen allele CA1396657.

ClinVar aggregate classification (germline): Uncertain significance (1 of 4 stars; one submission).

Allele frequency attached by ClinVar (database versions not stated): ExAC 0.00001; gnomAD 0.00001; gnomAD exomes 0.00001 and 0.00003; TOPMed 0.00001.
gnomAD v4.1: 11 of 1,612,464 alleles (0.00068%); highest among the groups gnomAD compares: East Asian, 0.02%; no homozygotes.

Submission:

Labcorp Genetics (formerly Invitae), Labcorp
Classification: Uncertain significance. Last evaluated: 2022-02-22. Review status: criteria provided, single submitter. Criteria: Invitae Variant Classification Sherloc (09022015). Collection method: clinical testing. Allele origin: germline.
Comment: This sequence change falls in intron 5 of the USH2A gene. It does not directly change the encoded amino acid sequence of the USH2A protein. It affects a nucleotide within the consensus splice site. This variant is present in population databases (rs774392934, gnomAD 0.04%). This variant has not been reported in the literature in individuals affected with USH2A-related conditions. Variants that disrupt the consensus splice site are a relatively common cause of aberrant splicing (PMID: 17576681, 9536098). Algorithms developed to predict the effect of sequence changes on RNA splicing suggest that this variant is not likely to affect RNA splicing. In summary, the available evidence is currently insufficient to determine the role of this variant in disease. Therefore, it has been classified as a Variant of Uncertain Significance.

Literature cited by the submitters: PubMed 17576681; PubMed 9536098.